The following is an entry in ClinVar:

ClinVar aggregate classification (germline): Conflicting classifications of pathogenicity. Review status: criteria provided, conflicting classifications (1 of 4 stars). 3 submissions from 3 submitters: Likely pathogenic (1); Uncertain significance (2). Last evaluated 2022-05-04.

Conditions:
Hereditary insensitivity to pain with anhidrosis (CIPA). Also called: NTRK1 Congenital Insensitivity to Pain with Anhidrosis; hereditary sensory and autonomic neuropathy type 4; FAMILIAL DYSAUTONOMIA, TYPE II; INSENSITIVITY TO PAIN, CONGENITAL, WITH ANHIDROSIS; NEUROPATHY, CONGENITAL SENSORY, WITH ANHIDROSIS; HSAN Type IV. Identifiers: Orphanet 642, MedGen C0020074, MONDO:0009746, OMIM 256800.
Inborn genetic diseases. Identifiers: MedGen C0950123, MeSH D030342.

Allele frequency attached by ClinVar (database versions not stated): gnomAD exomes below 0.00001; TOPMed below 0.00001.
gnomAD v4.1: 2 of 1,609,212 alleles (0.00012%); highest among the groups gnomAD compares: Admixed American, 0.0017%; no homozygotes.

Submissions (3):

Mendelics
Classification: Uncertain significance. Last evaluated: 2022-05-04. Review status: criteria provided, single submitter. Criteria: Mendelics Assertion Criteria 2019. Collection method: clinical testing. Allele origin: germline.

Labcorp Genetics (formerly Invitae), Labcorp
Classification: Uncertain significance for Hereditary insensitivity to pain with anhidrosis. Last evaluated: 2021-12-19. Review status: criteria provided, single submitter. Criteria: Invitae Variant Classification Sherloc (09022015). Collection method: clinical testing. Allele origin: germline.
Comment: This sequence change replaces cysteine, which is neutral and slightly polar, with arginine, which is basic and polar, at codon 191 of the NTRK1 protein (p.Cys191Arg). This variant is not present in population databases (gnomAD no frequency). This variant has not been reported in the literature in individuals affected with NTRK1-related conditions. ClinVar contains an entry for this variant (Variation ID: 521286). Advanced modeling of protein sequence and biophysical properties (such as structural, functional, and spatial information, amino acid conservation, physicochemical variation, residue mobility, and thermodynamic stability) performed at Invitae indicates that this missense variant is expected to disrupt NTRK1 protein function. In summary, the available evidence is currently insufficient to determine the role of this variant in disease. Therefore, it has been classified as a Variant of Uncertain Significance.

Ambry Genetics
Classification: Likely pathogenic for Inborn genetic diseases. Last evaluated: 2016-12-08. Review status: criteria provided, single submitter. Criteria: Ambry exome assertion method (8-5-2015). Collection method: clinical testing. Allele origin: germline. Affected: yes. Observed: 1 variant allele.

NM_002529.4(NTRK1):c.571T>C (p.Cys191Arg)

Gene: NTRK1 (neurotrophic receptor tyrosine kinase 1; plus strand). Cytogenetic location: 1q23.1.
Variant type: single nucleotide variant.
Coding change: c.571T>C on transcript NM_002529.4 (MANE Select); coding-DNA position 571, T replaced by C.
Protein change: p.Cys191Arg; replaces cysteine 191 with arginine.
Molecular consequence: missense variant.
Genome position (GRCh38, 1-based): chr1:156,868,246, T>C. VCF-style: chr1-156868246-T-C. GRCh37 (hg19) VCF-style: chr1-156838038-T-C.
Other names: c.481T>C, p.Cys161Arg (NM_001007792.1); c.571T>C, p.Cys191Arg (NM_001012331.2); short protein forms C161R, C191R.
Identifiers: ClinVar variation 521286 (VCV000521286.7), dbSNP rs1026300967, ClinGen allele CA31108387.
Genomic context (GRCh38, chr1:156,868,246, plus strand): 5'-CCTGAACAGAAGCTGCAGTGTCATGGGCAAGGGCCCCTGGCCCACATGCCCAATGCCAGC[T>C]GTGGTAGGTGCCGGGTGAGGGAGGTGGTGTAAGGGGGCTGGGGAAGAGACCTACCTGCCT-3'
Protein context (NP_002520.2, residues 181-201): GPLAHMPNAS[Cys191Arg]GVPTLKVQVP